The following is an entry in ClinVar:

NM_138383.3(MTSS2):c.1528G>T (p.Glu510Ter)

Gene: MTSS2 (MTSS I-BAR domain containing 2; minus strand). Cytogenetic location: 16q22.1.
Variant type: single nucleotide variant.
Coding change: c.1528G>T on transcript NM_138383.3 (MANE Select); coding-DNA position 1528, G replaced by T.
Protein change: p.Glu510Ter; replaces glutamic acid 510 with a stop codon.
Molecular consequence: nonsense.
Genome position (GRCh38, 1-based): chr16:70,664,393, C>A on the plus strand (G>T on the coding strand, the complement: MTSS2 is on the minus strand). VCF-style: chr16-70664393-C-A. GRCh37 (hg19) VCF-style: chr16-70698296-C-A.
Other names: short protein forms E510*.
Identifiers: ClinVar variation 5018197 (VCV005018197.1).

ClinVar aggregate classification (germline): Uncertain significance (1 of 4 stars; one submission).

Submission:

GeneDx
Classification: Uncertain significance. Last evaluated: 2026-04-09. Review status: criteria provided, single submitter. Criteria: GeneDx Variant Classification Process June 2021. Collection method: clinical testing. Allele origin: germline.
Comment: Not observed at significant frequency in large population cohorts (gnomAD); Nonsense variant predicted to result in protein truncation as the last 238 amino acid(s) are lost; Has not been previously published as pathogenic or benign to our knowledge